The following is an entry in ClinVar:

ClinVar aggregate classification (germline): Uncertain significance (1 of 4 stars; one submission).

Conditions:
Methylmalonic aciduria due to methylmalonyl-CoA mutase deficiency (MAMM). Also called: Methylmalonic aciduria, mut type. Identifiers: Orphanet 27, MedGen C1855114, MONDO:0009612, OMIM 251000.

Submission:

Myriad Genetics, Inc.
Classification: Uncertain significance for Methylmalonic aciduria due to methylmalonyl-CoA mutase deficiency. Last evaluated: 2026-08-19. Review status: criteria provided, single submitter. Criteria: Myriad Autosomal Dominant, Autosomal Recessive and X-Linked Classification Criteria (2023). Collection method: clinical testing. Allele origin: unknown.
Comment: NM_000255.3(MMUT):c.343A>G(T115A) is a missense variant classified as a variant of uncertain significance in the context of methylmalonic acidemia, MMUT-related. T115A has been observed in a case with relevant disease (PMID: 37316190). Relevant functional assessments of this variant are not available in the literature. T115A has not been observed in referenced population frequency databases. In summary, there is insufficient evidence to classify NM_000255.3(MMUT):c.343A>G(T115A) as pathogenic or benign. Please note: this variant was assessed in the context of healthy population screening.

Literature cited by the submitters: PubMed 37316190.

NM_000255.4(MMUT):c.343A>G (p.Thr115Ala)

Gene: MMUT (methylmalonyl-CoA mutase; minus strand). Cytogenetic location: 6p12.3.
Variant type: single nucleotide variant.
Coding change: c.343A>G on transcript NM_000255.4 (MANE Select); coding-DNA position 343, A replaced by G.
Protein change: p.Thr115Ala; replaces threonine 115 with alanine.
Molecular consequence: missense variant.
Genome position (GRCh38, 1-based): chr6:49,459,124, T>C on the plus strand (A>G on the coding strand, the complement: MMUT is on the minus strand). VCF-style: chr6-49459124-T-C. GRCh37 (hg19) VCF-style: chr6-49426837-T-C.
Other names: short protein forms T115A.
Identifiers: ClinVar variation 5003568 (VCV005003568.1).